The following is an entry in ClinVar:

ClinVar aggregate classification (germline): Pathogenic (1 of 4 stars; one submission).

Conditions:
Spastic paraplegia. Identifiers: MedGen C0037772, HP:0001258.

Submission:

Labcorp Genetics (formerly Invitae), Labcorp
Classification: Pathogenic for Spastic paraplegia. Last evaluated: 2026-01-22. Review status: criteria provided, single submitter. Criteria: Invitae Variant Classification Sherloc (09022015). Collection method: clinical testing. Allele origin: germline.
Comment: This sequence change creates a premature translational stop signal (p.Glu34Alafs*4) in the SLC16A2 gene. It is expected to result in an absent or disrupted protein product. Loss-of-function variants in SLC16A2 are known to be pathogenic (PMID: 20083155, 25527620). This variant is not present in population databases (gnomAD no frequency). This variant has not been reported in the literature in individuals affected with SLC16A2-related conditions. ClinVar contains an entry for this variant (Variation ID: 1369051). For these reasons, this variant has been classified as Pathogenic.

Literature cited by the submitters: PubMed 20083155; PubMed 25527620.

NM_006517.5(SLC16A2):c.99_100del (p.Glu34fs)

Gene: SLC16A2 (solute carrier family 16 member 2; plus strand). Cytogenetic location: Xq13.2.
Variant type: Deletion.
Coding change: c.99_100del on transcript NM_006517.5 (MANE Select); coding-DNA positions 99 to 100, 2 bases deleted (TG; older notation c.99_100delTG).
Protein change: p.Glu34fs; shifts the reading frame from glutamic acid 34.
Molecular consequence: frameshift variant.
Genome position (GRCh38, 1-based): chrX:74,421,736-74,421,737, TG deleted. VCF-style (leftmost placement, unchanged base first): chrX-74421735-CTG-C. GRCh37 (hg19) VCF-style: chrX-73641570-CTG-C.
Other names: short protein forms E34fs.
Identifiers: ClinVar variation 1369051 (VCV001369051.6), dbSNP rs2147833883, ClinGen allele CA2573159667.